The following is an entry in ClinVar:

NM_015338.6(ASXL1):c.1594T>C (p.Ser532Pro)

Gene: ASXL1 (ASXL transcriptional regulator 1; plus strand). Cytogenetic location: 20q11.21.
Variant type: single nucleotide variant.
Coding change: c.1594T>C on transcript NM_015338.6 (MANE Select); coding-DNA position 1594, T replaced by C.
Protein change: p.Ser532Pro; replaces serine 532 with proline.
Molecular consequence: missense variant.
Genome position (GRCh38, 1-based): chr20:32,433,792, T>C. VCF-style: chr20-32433792-T-C. GRCh37 (hg19) VCF-style: chr20-31021595-T-C.
Other names: c.1411T>C, p.Ser471Pro (NM_001363734.1); short protein forms S532P, S471P.
Identifiers: ClinVar variation 3957621 (VCV003957621.1).

ClinVar aggregate classification (germline): Uncertain significance (1 of 4 stars; one submission).

Conditions:
Inborn genetic diseases. Identifiers: MedGen C0950123, MeSH D030342.

Submission:

Ambry Genetics
Classification: Uncertain significance for Inborn genetic diseases. Last evaluated: 2025-06-06. Review status: criteria provided, single submitter. Criteria: Ambry Variant Classification Scheme 2023. Collection method: clinical testing. Allele origin: germline.
Comment: The p.S532P variant (also known as c.1594T>C), located in coding exon 12 of the ASXL1 gene, results from a T to C substitution at nucleotide position 1594. The serine at codon 532 is replaced by proline, an amino acid with similar properties. This amino acid position is conserved. In addition, this alteration is predicted to be tolerated by in silico analysis. Based on the available evidence, the clinical significance of this variant remains unclear.